The following is an entry in ClinVar:

NC_000017.11:g.(?_17221527)_(17224153_?)del

Gene: FLCN (folliculin; minus strand). Cytogenetic location: 17p11.2.
Variant type: Deletion.
Identifiers: ClinVar variation 830501 (VCV000830501.3).

ClinVar aggregate classification (germline): Pathogenic (1 of 4 stars; one submission).

Conditions:
Birt-Hogg-Dube syndrome. Also called: Birt Hogg Dubé syndrome. Identifiers: Orphanet 122, MedGen C0346010, MONDO:0800444.

Submission:

Labcorp Genetics (formerly Invitae), Labcorp
Classification: Pathogenic for Birt-Hogg-Dube syndrome. Last evaluated: 2023-11-02. Review status: criteria provided, single submitter. Criteria: Invitae Variant Classification Sherloc (09022015). Collection method: clinical testing. Allele origin: germline.
Comment: This variant is a gross deletion of the genomic region encompassing exon(s) 6-8 of the FLCN gene. This deletion is out-of-frame, and is expected to create a premature termination codon and result in an absent or disrupted protein product. Loss-of-function variants in FLCN are known to be pathogenic (PMID: 15852235). This variant has not been reported in the literature in individuals affected with FLCN-related conditions. This variant is also known as deletion of exon 3-5. For these reasons, this variant has been classified as Pathogenic.

Literature cited by the submitters: PubMed 15852235.